The following is an entry in ClinVar:

NM_014321.4(ORC6):c.386A>T (p.Gln129Leu)

Gene: ORC6 (origin recognition complex subunit 6; plus strand). Cytogenetic location: 16q11.2.
Variant type: single nucleotide variant.
Coding change: c.386A>T on transcript NM_014321.4 (MANE Select); coding-DNA position 386, A replaced by T.
Protein change: p.Gln129Leu; replaces glutamine 129 with leucine.
Molecular consequence: missense variant. On other transcripts: non-coding transcript variant (1).
Genome position (GRCh38, 1-based): chr16:46,693,119, A>T. VCF-style: chr16-46693119-A-T. GRCh37 (hg19) VCF-style: chr16-46727031-A-T.
Other names: short protein forms Q129L.
Identifiers: ClinVar variation 1431065 (VCV001431065.3), dbSNP rs774584890, ClinGen allele CA8037374.

ClinVar aggregate classification (germline): Uncertain significance (1 of 4 stars; one submission).

Allele frequency attached by ClinVar (database versions not stated): TOPMed below 0.00001; ExAC 0.00001; gnomAD 0.00001; gnomAD exomes 0.00002.
gnomAD v4.1: 31 of 1,612,176 alleles (0.0019%); highest among the groups gnomAD compares: Non-Finnish European, 0.0026%; no homozygotes.

Submission:

Labcorp Genetics (formerly Invitae), Labcorp
Classification: Uncertain significance. Last evaluated: 2021-08-06. Review status: criteria provided, single submitter. Criteria: Invitae Variant Classification Sherloc (09022015). Collection method: clinical testing. Allele origin: germline.
Comment: This sequence change replaces glutamine with leucine at codon 129 of the ORC6 protein (p.Gln129Leu). The glutamine residue is highly conserved and there is a moderate physicochemical difference between glutamine and leucine. This variant is present in population databases (rs774584890, ExAC 0.002%). This variant has not been reported in the literature in individuals affected with ORC6-related conditions. Algorithms developed to predict the effect of missense changes on protein structure and function (SIFT, PolyPhen-2, Align-GVGD) all suggest that this variant is likely to be disruptive. In summary, the available evidence is currently insufficient to determine the role of this variant in disease. Therefore, it has been classified as a Variant of Uncertain Significance.